The following is an entry in ClinVar:

ClinVar aggregate classification (germline): Uncertain significance. Review status: criteria provided, multiple submitters, no conflicts (2 of 4 stars). 2 submissions from 2 submitters: Uncertain significance (2). Last evaluated 2024-07-10.

Conditions:
Bardet-Biedl syndrome (BBS). Identifiers: Orphanet 110, MedGen C0752166, MONDO:0015229.

gnomAD v4.1: 2 of 1,599,296 alleles (0.00013%); highest among the groups gnomAD compares: Middle Eastern, 0.017%; no homozygotes.

Submissions (2):

Labcorp Genetics (formerly Invitae), Labcorp
Classification: Uncertain significance for Bardet-Biedl syndrome. Last evaluated: 2024-07-10. Review status: criteria provided, single submitter. Criteria: Invitae Variant Classification Sherloc (09022015). Collection method: clinical testing. Allele origin: germline.
Comment: This sequence change replaces glycine, which is neutral and non-polar, with cysteine, which is neutral and slightly polar, at codon 217 of the BBS5 protein (p.Gly217Cys). This variant is present in population databases (no rsID available, gnomAD 0.0009%). This variant has not been reported in the literature in individuals affected with BBS5-related conditions. Advanced modeling of protein sequence and biophysical properties (such as structural, functional, and spatial information, amino acid conservation, physicochemical variation, residue mobility, and thermodynamic stability) performed at Invitae indicates that this missense variant is expected to disrupt BBS5 protein function with a positive predictive value of 80%. In summary, the available evidence is currently insufficient to determine the role of this variant in disease. Therefore, it has been classified as a Variant of Uncertain Significance.

Blueprint Genetics
Classification: Uncertain significance. Last evaluated: 2021-08-18. Review status: criteria provided, single submitter. Criteria: ACMG Guidelines, 2015. Collection method: clinical testing. Allele origin: germline.

NM_152384.3(BBS5):c.649G>T (p.Gly217Cys)

Gene: BBS5 (Bardet-Biedl syndrome 5; plus strand). Cytogenetic location: 2q31.1.
Variant type: single nucleotide variant.
Coding change: c.649G>T on transcript NM_152384.3 (MANE Select); coding-DNA position 649, G replaced by T.
Protein change: p.Gly217Cys; replaces glycine 217 with cysteine.
Molecular consequence: missense variant.
Genome position (GRCh38, 1-based): chr2:169,497,657, G>T. VCF-style: chr2-169497657-G-T. GRCh37 (hg19) VCF-style: chr2-170354167-G-T.
Other names: short protein forms G217C.
Identifiers: ClinVar variation 3682664 (VCV003682664.3).